The following is an entry in ClinVar:

ClinVar aggregate classification (germline): Uncertain significance (1 of 4 stars; one submission).

Submission:

GeneDx
Classification: Uncertain significance. Last evaluated: 2025-08-12. Review status: criteria provided, single submitter. Criteria: GeneDx Variant Classification Process June 2021. Collection method: clinical testing. Allele origin: germline. Affected: yes.
Comment: Not observed at significant frequency in large population cohorts (gnomAD); In silico analysis supports that this missense variant has a deleterious effect on protein structure/function; Has not been previously published as pathogenic or benign to our knowledge

NM_003403.5(YY1):c.774G>T (p.Lys258Asn)

Gene: YY1 (YY1 transcription factor; plus strand). Cytogenetic location: 14q32.2.
Variant type: single nucleotide variant.
Coding change: c.774G>T on transcript NM_003403.5 (MANE Select); coding-DNA position 774, G replaced by T.
Protein change: p.Lys258Asn; replaces lysine 258 with asparagine.
Molecular consequence: missense variant.
Genome position (GRCh38, 1-based): chr14:100,262,398, G>T. VCF-style: chr14-100262398-G-T. GRCh37 (hg19) VCF-style: chr14-100728735-G-T.
Other names: short protein forms K258N.
Identifiers: ClinVar variation 4795772 (VCV004795772.1).